The following is an entry in ClinVar:

NM_000219.6(KCNE1):c.372G>C (p.Glu124Asp)

Gene: KCNE1 (potassium voltage-gated channel subfamily E regulatory subunit 1; minus strand). Cytogenetic location: 21q22.12.
Variant type: single nucleotide variant.
Coding change: c.372G>C on transcript NM_000219.6 (MANE Select); coding-DNA position 372, G replaced by C.
Protein change: p.Glu124Asp; replaces glutamic acid 124 with aspartic acid.
Molecular consequence: missense variant.
Genome position (GRCh38, 1-based): chr21:34,449,263, C>G on the plus strand (G>C on the coding strand, the complement: KCNE1 is on the minus strand). VCF-style: chr21-34449263-C-G. GRCh37 (hg19) VCF-style: chr21-35821561-C-G.
Other names: c.372G>C, p.Glu124Asp (NM_001127668.4, NM_001127669.4, NM_001127670.4 and 4 more transcripts); short protein forms E124D.
Identifiers: ClinVar variation 3373847 (VCV003373847.2).

Conditions:
Long QT syndrome 5 (LQT5). Identifiers: Orphanet 101016, Orphanet 768, MedGen C1867904, MONDO:0013372, OMIM 613695.

Submission:

Roden Lab, Vanderbilt University Medical Center
No classification provided (evidence only). Condition: Long QT syndrome 5. Review status: no classification provided. Collection method: in vitro. Allele origin: not applicable. Functional consequence: Effect on ion channel function.
ClinVar note: "not provided" was previously submitted as the classification for the variant. However, the classification appeared to be based only on an observation of functional data so it was converted to no classification on 2025-07-30.